The following is an entry in ClinVar:

ClinVar aggregate classification (germline): Uncertain significance (1 of 4 stars; one submission).

Conditions:
T-B+ severe combined immunodeficiency due to JAK3 deficiency. Also called: SCID, T CELL-NEGATIVE, B CELL-POSITIVE, NK CELL-NEGATIVE; SCID, autosomal recessive, T-negative/B-positive type. Identifiers: Orphanet 35078, MedGen C1833275, MONDO:0010938, OMIM 600802.

gnomAD v4.1: 32 of 1,555,636 alleles (0.0021%); highest among the groups gnomAD compares: Non-Finnish European, 0.0023%; no homozygotes.

Submission:

Labcorp Genetics (formerly Invitae), Labcorp
Classification: Uncertain significance for T-B+ severe combined immunodeficiency due to JAK3 deficiency. Last evaluated: 2024-09-11. Review status: criteria provided, single submitter. Criteria: Invitae Variant Classification Sherloc (09022015). Collection method: clinical testing. Allele origin: germline.
Comment: This sequence change replaces cysteine, which is neutral and slightly polar, with tyrosine, which is neutral and polar, at codon 591 of the JAK3 protein (p.Cys591Tyr). The frequency data for this variant in the population databases is considered unreliable, as metrics indicate poor data quality at this position in the gnomAD database. This variant has not been reported in the literature in individuals affected with JAK3-related conditions. Invitae Evidence Modeling of protein sequence and biophysical properties (such as structural, functional, and spatial information, amino acid conservation, physicochemical variation, residue mobility, and thermodynamic stability) has been performed for this missense variant. However, the output from this modeling did not meet the statistical confidence thresholds required to predict the impact of this variant on JAK3 protein function. In summary, the available evidence is currently insufficient to determine the role of this variant in disease. Therefore, it has been classified as a Variant of Uncertain Significance.

NM_000215.4(JAK3):c.1772G>A (p.Cys591Tyr)

Gene: JAK3 (Janus kinase 3; minus strand). Cytogenetic location: 19p13.11.
Variant type: single nucleotide variant.
Coding change: c.1772G>A on transcript NM_000215.4 (MANE Select); coding-DNA position 1772, G replaced by A.
Protein change: p.Cys591Tyr; replaces cysteine 591 with tyrosine.
Molecular consequence: missense variant.
Genome position (GRCh38, 1-based): chr19:17,837,143, C>T on the plus strand (G>A on the coding strand, the complement: JAK3 is on the minus strand). VCF-style: chr19-17837143-C-T. GRCh37 (hg19) VCF-style: chr19-17947952-C-T.
Other names: short protein forms C591Y.
Identifiers: ClinVar variation 3638257 (VCV003638257.2).
Genomic context (GRCh38, chr19:17,837,143, plus strand): 5'-GACTTGGGTGAGGCAGGGGTGGGGTGGGTGGGTGGGGGGCTCTCACTGTCTCCAGCCATG[C>T]ACACGCCGTGGAGCAGCACGAGATGCCGGTACGACACTTGGCTCATCAAGCTCGCTGCTT-3'
Protein context (NP_000206.2, residues 581-601): YRHLVLLHGV[Cys591Tyr]MAGDSTMVQE